The following is an entry in ClinVar:

NM_147127.5(EVC2):c.2781del (p.Asp927fs)

Gene: EVC2 (EvC ciliary complex subunit 2; minus strand). Cytogenetic location: 4p16.2.
Variant type: Deletion.
Coding change: c.2781del on transcript NM_147127.5 (MANE Select); coding-DNA position 2781, one base deleted (C; older notation c.2781delC).
Protein change: p.Asp927fs; shifts the reading frame from aspartic acid 927.
Molecular consequence: frameshift variant.
Genome position (GRCh38, 1-based): chr4:5,615,470, G deleted on the plus strand (C on the coding strand, the reverse complement: EVC2 is on the minus strand). VCF-style (leftmost placement, unchanged base first): chr4-5615469-TG-T. GRCh37 (hg19) VCF-style: chr4-5617196-TG-T.
Other names: c.2541del, p.Asp847fs (NM_001166136.2); short protein forms D847fs, D927fs.
Identifiers: ClinVar variation 5006779 (VCV005006779.2).

ClinVar aggregate classification (germline): Likely pathogenic (1 of 4 stars; one submission).

Conditions:
Ellis-van Creveld syndrome (EVC). Also called: Chondroectodermal dysplasia; MESOECTODERMAL DYSPLASIA. Identifiers: Orphanet 289, MedGen C0013903, MONDO:0009162, OMIM 225500.

Submission:

Juno Genomics, Hangzhou Juno Genomics, Inc
Classification: Likely pathogenic for Ellis-van Creveld syndrome. Review status: criteria provided, single submitter. Criteria: ACMG Guidelines, 2015. Collection method: clinical testing. Allele origin: germline.
Comment: Null variant in a gene where loss of function (LOF) is a known mechanism of disease.;Absent from controls (or at extremely low frequency if recessive) in Genome Aggregation Database.